The following is an entry in ClinVar:

ClinVar aggregate classification (germline): Pathogenic. Review status: criteria provided, multiple submitters, no conflicts (2 of 4 stars). 6 submissions from 6 submitters: Pathogenic (5). 1 of the submissions does not count toward it. Last evaluated 2025-11-27.

Conditions:
Cardiovascular phenotype. Identifiers: MedGen CN230736.
Telangiectasia, hereditary hemorrhagic, type 2 (HHT2). Also called: ACVRL1-Related Hereditary Hemorrhagic Telangiectasia; Telangiectasia, hereditary hemorrhagic, type II. Identifiers: Orphanet 774, MedGen C1838163, MONDO:0010880, OMIM 600376. Disease mechanism: loss of function.

Submissions (6):

Labcorp Genetics (formerly Invitae), Labcorp
Classification: Pathogenic for Telangiectasia, hereditary hemorrhagic, type 2. Last evaluated: 2025-11-27. Review status: criteria provided, single submitter. Criteria: Invitae Variant Classification Sherloc (09022015). Collection method: clinical testing. Allele origin: germline.
Comment: This variant, c.696_698del, results in the deletion of 1 amino acid(s) of the ACVRL1 protein (p.Ser233del), but otherwise preserves the integrity of the reading frame. This variant is not present in population databases (gnomAD no frequency). This variant has been observed in individuals with hereditary hemorrhagic telangiectasia (HHT) (PMID: 8640225, 15024723, 16752392, 21158752; internal data). It has also been observed to segregate with disease in related individuals. ClinVar contains an entry for this variant (Variation ID: 236552). For these reasons, this variant has been classified as Pathogenic.

ARUP Laboratories, Molecular Genetics and Genomics, ARUP Laboratories
Classification: Pathogenic for Telangiectasia, hereditary hemorrhagic, type 2. Last evaluated: 2025-04-09. Review status: criteria provided, single submitter. Criteria: ARUP Molecular Germline Variant Investigation Process 2024. Collection method: clinical testing. Allele origin: germline.
Comment: The ACVRL1 c.696_698del; p.Ser233del variant (rs387906391, ClinVar Variation ID: 236552) is reported in the literature in several individuals affected with HHT (Abdalla 200, Bayrak-Toydemir 2004, Bossler 2006, Lesca 2004, McDonald 2011). In addition, this variant is reported to segregate with disease in a large multigenerational family (Berg 1997, Johnson 1996) This variant is absent from the Genome Aggregation Database (v2.1.1), indicating it is not a common polymorphism. This variant deletes a single serine residue leaving the rest of the protein in-frame. Based on available information, this variant is considered to be pathogenic. References: Abdalla SA et al. Analysis of ALK-1 and endoglin in newborns from families with hereditary hemorrhagic telangiectasia type 2. Hum Mol Genet. 2000 May 1;9(8):1227-37. PMID: 10767348. Bayrak-Toydemir P et al. Hereditary hemorrhagic telangiectasia: an overview of diagnosis and management in the molecular era for clinicians. Genet Med. 2004 Jul-Aug;6(4):175-91. PMID: 15266205. Berg JN et al. The activin receptor-like kinase 1 gene: genomic structure and mutations in hereditary hemorrhagic telangiectasia type 2. Am J Hum Genet. 1997 Jul;61(1):60-7. PMID: 9245985. Bossler AD et al. Novel mutations in ENG and ACVRL1 identified in a series of 200 individuals undergoing clinical genetic testing for hereditary hemorrhagic telangiectasia (HHT): correlation of genotype with phenotype. Hum Mutat. 2006 Jul;27(7):667-75. PMID: 16752392. Johnson DW et al. Mutations in the activin receptor-like kinase 1 gene in hereditary haemorrhagic telangiectasia type 2. Nat Genet. 1996 Jun;13(2):189-95. Lesca G et al. Molecular screening of ALK1/ACVRL1 and ENG genes in hereditary hemorrhagic telangiectasia in France. Hum Mutat. 2004 Apr;23(4):289-99. PMID: 15024723. McDonald J et al. Molecular diagnosis in hereditary hemorrhagic telangiectasia: findings in a series tested simultaneously by sequencing and deletion/duplication analysis. Clin Genet. 2011 Apr;79(4):335-44. PMID: 21158752.

GeneDx
Classification: Pathogenic. Last evaluated: 2024-08-12. Review status: criteria provided, single submitter. Criteria: GeneDx Variant Classification Process June 2021. Collection method: clinical testing. Allele origin: germline.
Comment: In-frame deletion of 1 amino acids in a non-repeat region; Not observed at significant frequency in large population cohorts (gnomAD); In silico analysis supports a deleterious effect on protein structure/function; This variant is associated with the following publications: (PMID: 10767348, 16752392, 21158752, 9245985, 15266205, 15024723, 8640225)

Ambry Genetics
Classification: Pathogenic for Cardiovascular phenotype. Last evaluated: 2022-12-13. Review status: criteria provided, single submitter. Criteria: Ambry Variant Classification Scheme 2023. Collection method: clinical testing. Allele origin: germline.
Comment: The c.696_698delCTC pathogenic mutation (also known as p.S233del) is located in coding exon 5 of the ACVRL1 gene. This pathogenic mutation results from an in-frame CTC deletion at nucleotide positions 696 to 698. This results in the in-frame deletion of a serine at codon 233. This pathogenic mutation segregated with disease in a large family affected with hereditary hemorrhagic telangiectasia (HHT); however, there were a few unaffected carriers, which was attributed to incomplete penetrance (Johnson DW et al. Nat. Genet., 1996 Jun;13:189-95). This pathogenic mutation was also observed in an individual that presented with epistaxis, telangiectasias, and a family history of HHT (Bossler AD et al. Hum. Mutat., 2006 Jul;27:667-75). This variant is considered to be rare based on population cohorts in the Genome Aggregation Database (gnomAD). Based on the supporting evidence, this alteration is interpreted as a disease-causing mutation.

Mayo Clinic Laboratories, Mayo Clinic
Classification: Pathogenic. Last evaluated: 2020-01-28. Review status: criteria provided, single submitter. Criteria: ACMG Guidelines, 2015. Collection method: clinical testing. Allele origin: germline. Observed: 2 variant alleles.
Comment: PP1_Strong, PS4, PP4, PM4, PM2

OMIM
Classification: Pathogenic for TELANGIECTASIA, HEREDITARY HEMORRHAGIC, TYPE 2. Last evaluated: 1996-06-01. Review status: no assertion criteria provided. Collection method: literature only. Allele origin: germline. Not counted in ClinVar's aggregate classification.

Literature cited by the submitters: PubMed 8640225 (cited by 4 submitters); PubMed 15024723 (cited by 3 submitters); PubMed 16752392 (cited by 3 submitters); PubMed 21158752 (cited by 3 submitters); PubMed 10767348 (cited by Ambry Genetics and Mayo Clinic Laboratories, Mayo Clinic); PubMed 15266205 (cited by Ambry Genetics); PubMed 19508727 (cited by Ambry Genetics and Mayo Clinic Laboratories, Mayo Clinic); PubMed 9245985 (cited by Ambry Genetics and Mayo Clinic Laboratories, Mayo Clinic); PubMed 8717052 (cited by Mayo Clinic Laboratories, Mayo Clinic); PubMed 17576210 (cited by Mayo Clinic Laboratories, Mayo Clinic).

NM_000020.3(ACVRL1):c.693CTC[1] (p.Ser233del)

Gene: ACVRL1 (activin A receptor like type 1; plus strand). Cytogenetic location: 12q13.13.
Variant type: Microsatellite.
Coding change: c.693CTC[1] on transcript NM_000020.3 (MANE Select); one copy of the 3-base unit CTC starting at c.693; the reference has two copies in a row; one copy, 3 bases deleted; also written c.696_698del.
Protein change: p.Ser233del; deletes serine 233.
Molecular consequence: inframe deletion.
Genome position (GRCh38, 1-based): chr12:51,914,509-51,914,511, CTC deleted; deleting any 3 consecutive bases within chr12:51,914,506-51,914,511 gives the same sequence; the position shown is the placement nearest the transcript's 3' end. VCF-style (leftmost placement, unchanged base first): chr12-51914505-TCTC-T. GRCh37 (hg19) VCF-style: chr12-52308289-TCTC-T.
Other names: c.693CTC[1], p.Ser233del (NM_001077401.2); c.696_698del (NM_000020.2); c.696_698delCTC (NM_000020.2); short protein forms S233del.
Identifiers: ClinVar variation 236552 (VCV000236552.27), dbSNP rs387906391, ClinGen allele CA254369.